The following is an entry in ClinVar:

NM_004960.4(FUS):c.474G>C (p.Gln158His)

Gene: FUS (FUS RNA binding protein; plus strand). Cytogenetic location: 16p11.2.
Variant type: single nucleotide variant.
Coding change: c.474G>C on transcript NM_004960.4 (MANE Select); coding-DNA position 474, G replaced by C.
Protein change: p.Gln158His; replaces glutamine 158 with histidine.
Molecular consequence: missense variant. On other transcripts: non-coding transcript variant (1).
Genome position (GRCh38, 1-based): chr16:31,184,347, G>C. VCF-style: chr16-31184347-G-C. GRCh37 (hg19) VCF-style: chr16-31195668-G-C.
Other names: c.471G>C, p.Gln157His (NM_001170634.1); c.474G>C, p.Gln158His (NM_001170937.1); short protein forms Q157H, Q158H.
Identifiers: ClinVar variation 2941793 (VCV002941793.3), dbSNP rs2544253661, ClinGen allele CA395668966.

ClinVar aggregate classification (germline): Uncertain significance (1 of 4 stars; one submission).

Conditions:
Amyotrophic lateral sclerosis type 6. Also called: FUS-Related Amyotrophic Laterial Sclerosis; AMYOTROPHIC LATERAL SCLEROSIS 6 WITHOUT FRONTOTEMPORAL DEMENTIA; Amyotrophic lateral sclerosis 6, with or without frontotemporal dementia. Identifiers: Orphanet 275872, Orphanet 803, MedGen C2931786, MONDO:0011951, OMIM 608030.
Tremor, hereditary essential, 4 (ETM4). Identifiers: MedGen C3539195, MONDO:0013888, OMIM 614782.

Submission:

Labcorp Genetics (formerly Invitae), Labcorp
Classification: Uncertain significance for Tremor, hereditary essential, 4; Amyotrophic lateral sclerosis type 6. Last evaluated: 2022-11-24. Review status: criteria provided, single submitter. Criteria: Invitae Variant Classification Sherloc (09022015). Collection method: clinical testing. Allele origin: germline.
Comment: This variant has not been reported in the literature in individuals affected with FUS-related conditions. This sequence change replaces glutamine, which is neutral and polar, with histidine, which is basic and polar, at codon 158 of the FUS protein (p.Gln158His). This variant is not present in population databases (gnomAD no frequency). Algorithms developed to predict the effect of missense changes on protein structure and function are either unavailable or do not agree on the potential impact of this missense change (SIFT: "Tolerated"; PolyPhen-2: "Not Available"; Align-GVGD: "Class C0"). In summary, the available evidence is currently insufficient to determine the role of this variant in disease. Therefore, it has been classified as a Variant of Uncertain Significance.